The following is an entry in ClinVar:

ClinVar aggregate classification (germline): Likely benign. Review status: criteria provided, single submitter (1 of 4 stars). 2 submissions from 2 submitters: Likely benign (1). 1 of the submissions does not count toward it. Last evaluated 2021-10-29.

Conditions:
Inborn genetic diseases. Identifiers: MedGen C0950123, MeSH D030342.
SETD1A-related disorder. Also called: SETD1A-related condition.

Allele frequency attached by ClinVar (database versions not stated): ESP Exome Variant Server 0.00008; TOPMed 0.00011; gnomAD 0.00015; 1000 Genomes Project 30x 0.00016; gnomAD exomes 0.00016; 1000 Genomes Project 0.00020; ExAC 0.00021.

Submissions (2):

Ambry Genetics
Classification: Likely benign for Inborn genetic diseases. Last evaluated: 2021-10-29. Review status: criteria provided, single submitter. Criteria: Ambry Variant Classification Scheme 2023. Collection method: clinical testing. Allele origin: germline.

PreventionGenetics, part of Exact Sciences
Classification: Likely benign for SETD1A-related condition. Last evaluated: 2021-03-16. Review status: no assertion criteria provided. Collection method: clinical testing. Allele origin: germline. Not counted in ClinVar's aggregate classification.
Comment: This variant is classified as likely benign based on ACMG/AMP sequence variant interpretation guidelines (Richards et al. 2015 PMID: 25741868, with internal and published modifications).

NM_014712.3(SETD1A):c.4705A>C (p.Lys1569Gln)

Gene: SETD1A (SET domain containing 1A, histone lysine methyltransferase; plus strand). Cytogenetic location: 16p11.2.
Variant type: single nucleotide variant.
Coding change: c.4705A>C on transcript NM_014712.3 (MANE Select); coding-DNA position 4705, A replaced by C.
Protein change: p.Lys1569Gln; replaces lysine 1569 with glutamine.
Molecular consequence: missense variant.
Genome position (GRCh38, 1-based): chr16:30,981,073, A>C. VCF-style: chr16-30981073-A-C. GRCh37 (hg19) VCF-style: chr16-30992394-A-C.
Other names: c.4705A>C (NM_014712.2); short protein forms K1569Q.
Identifiers: ClinVar variation 2363030 (VCV002363030.4), dbSNP rs371240053, ClinGen allele CA8017680.